The following is an entry in ClinVar:

ClinVar aggregate classification (germline): Uncertain significance (1 of 4 stars; one submission).

Conditions:
Cardiovascular phenotype. Identifiers: MedGen CN230736.

Allele frequency attached by ClinVar (database versions not stated): gnomAD exomes below 0.00001; ExAC 0.00001.
gnomAD v4.1: 1 of 1,614,168 alleles (0.000062%); highest among the groups gnomAD compares: Non-Finnish European, 0.000085%; no homozygotes.

Submission:

Ambry Genetics
Classification: Uncertain significance for Cardiovascular phenotype. Last evaluated: 2023-05-13. Review status: criteria provided, single submitter. Criteria: Ambry Variant Classification Scheme 2023. Collection method: clinical testing. Allele origin: germline.
Comment: The p.E2711G variant (also known as c.8132A>G), located in coding exon 24 of the DSP gene, results from an A to G substitution at nucleotide position 8132. The glutamic acid at codon 2711 is replaced by glycine, an amino acid with similar properties. This amino acid position is conserved. In addition, this alteration is predicted to be deleterious by in silico analysis. Since supporting evidence is limited at this time, the clinical significance of this alteration remains unclear.

NM_004415.4(DSP):c.8132A>G (p.Glu2711Gly)

Gene: DSP (desmoplakin; plus strand). Cytogenetic location: 6p24.3.
Variant type: single nucleotide variant.
Coding change: c.8132A>G on transcript NM_004415.4 (MANE Select); coding-DNA position 8132, A replaced by G.
Protein change: p.Glu2711Gly; replaces glutamic acid 2711 with glycine.
Molecular consequence: missense variant.
Genome position (GRCh38, 1-based): chr6:7,585,394, A>G. VCF-style: chr6-7585394-A-G. GRCh37 (hg19) VCF-style: chr6-7585627-A-G.
Other names: c.6335A>G, p.Glu2112Gly (NM_001008844.3); c.6803A>G, p.Glu2268Gly (NM_001319034.2); short protein forms E2268G, E2711G, E2112G.
Identifiers: ClinVar variation 2567531 (VCV002567531.2), dbSNP rs757858328, ClinGen allele CA051596.